The following is an entry in ClinVar:

NM_001370466.1(NOD2):c.2114G>A (p.Ser705Asn)

Gene: NOD2 (nucleotide binding oligomerization domain containing 2; plus strand). Cytogenetic location: 16q12.1.
Variant type: single nucleotide variant.
Coding change: c.2114G>A on transcript NM_001370466.1 (MANE Select); coding-DNA position 2114, G replaced by A.
Protein change: p.Ser705Asn; replaces serine 705 with asparagine.
Molecular consequence: missense variant. On other transcripts: non-coding transcript variant (1).
Genome position (GRCh38, 1-based): chr16:50,712,106, G>A. VCF-style: chr16-50712106-G-A. GRCh37 (hg19) VCF-style: chr16-50746017-G-A.
Other names: c.2114G>A, p.Ser705Asn (NM_001293557.2); c.2195G>A, p.Ser732Asn (NM_022162.3); short protein forms S732N, S705N.
Identifiers: ClinVar variation 2924635 (VCV002924635.3), dbSNP rs369766227, ClinGen allele CA8051718.

ClinVar aggregate classification (germline): Uncertain significance (1 of 4 stars; one submission).

Conditions:
Regional enteritis. Also called: Enteritis, Granulomatous. Identifiers: MedGen C0678202, MeSH D003424.
Blau syndrome (BLAUS). Also called: ARTHROCUTANEOUVEAL GRANULOMATOSIS; GRANULOMATOSIS, FAMILIAL JUVENILE SYSTEMIC; GRANULOMATOSIS, FAMILIAL, BLAU TYPE; GRANULOMATOUS INFLAMMATORY ARTHRITIS, DERMATITIS, AND UVEITIS, FAMILIAL; JABS SYNDROME. Identifiers: Orphanet 90340, MedGen C5201146, MONDO:0008523, OMIM 186580.

Allele frequency attached by ClinVar (database versions not stated): TOPMed below 0.00001; ExAC 0.00001; gnomAD 0.00001; ESP Exome Variant Server 0.00008.
gnomAD v4.1: 9 of 1,613,904 alleles (0.00056%); highest among the groups gnomAD compares: Admixed American, 0.005%; no homozygotes.

Submission:

Labcorp Genetics (formerly Invitae), Labcorp
Classification: Uncertain significance for Regional enteritis; Blau syndrome. Last evaluated: 2024-04-15. Review status: criteria provided, single submitter. Criteria: Invitae Variant Classification Sherloc (09022015). Collection method: clinical testing. Allele origin: germline.
Comment: This sequence change replaces serine, which is neutral and polar, with asparagine, which is neutral and polar, at codon 732 of the NOD2 protein (p.Ser732Asn). This variant is present in population databases (rs369766227, gnomAD 0.006%). This variant has not been reported in the literature in individuals affected with NOD2-related conditions. Advanced modeling of protein sequence and biophysical properties (such as structural, functional, and spatial information, amino acid conservation, physicochemical variation, residue mobility, and thermodynamic stability) performed at Invitae indicates that this missense variant is not expected to disrupt NOD2 protein function with a negative predictive value of 95%. In summary, the available evidence is currently insufficient to determine the role of this variant in disease. Therefore, it has been classified as a Variant of Uncertain Significance.